The following is an entry in ClinVar:

NM_021803.4(IL21):c.394C>A (p.Pro132Thr)

Gene: IL21 (interleukin 21; minus strand). Cytogenetic location: 4q27.
Variant type: single nucleotide variant.
Coding change: c.394C>A on transcript NM_021803.4 (MANE Select); coding-DNA position 394, C replaced by A.
Protein change: p.Pro132Thr; replaces proline 132 with threonine.
Molecular consequence: missense variant.
Genome position (GRCh38, 1-based): chr4:122,612,895, G>T on the plus strand (C>A on the coding strand, the complement: IL21 is on the minus strand). VCF-style: chr4-122612895-G-T. GRCh37 (hg19) VCF-style: chr4-123534050-G-T.
Other names: c.394C>A (NM_021803.2); c.394C>A, p.Pro132Thr (NM_001207006.3); short protein forms P132T.
Identifiers: ClinVar variation 2728169 (VCV002728169.4), dbSNP rs1578434817, ClinGen allele CA358221039.

ClinVar aggregate classification (germline): Uncertain significance. Review status: criteria provided, multiple submitters, no conflicts (2 of 4 stars). 2 submissions from 2 submitters: Uncertain significance (2). Last evaluated 2025-08-25.

gnomAD v4.1: 3 of 1,611,036 alleles (0.00019%); highest among the groups gnomAD compares: Non-Finnish European, 0.00017%; no homozygotes.

Submissions (2):

Ambry Genetics
Classification: Uncertain significance. Last evaluated: 2025-08-25. Review status: criteria provided, single submitter. Criteria: Ambry Variant Classification Scheme 2023. Collection method: clinical testing. Allele origin: germline.

Labcorp Genetics (formerly Invitae), Labcorp
Classification: Uncertain significance. Last evaluated: 2023-12-08. Review status: criteria provided, single submitter. Criteria: Invitae Variant Classification Sherloc (09022015). Collection method: clinical testing. Allele origin: germline.
Comment: This sequence change replaces proline, which is neutral and non-polar, with threonine, which is neutral and polar, at codon 132 of the IL21 protein (p.Pro132Thr). This variant is not present in population databases (gnomAD no frequency). This variant has not been reported in the literature in individuals affected with IL21-related conditions. Algorithms developed to predict the effect of missense changes on protein structure and function output the following: SIFT: "Not Available"; PolyPhen-2: "Benign"; Align-GVGD: "Not Available". The threonine amino acid residue is found in multiple mammalian species, which suggests that this missense change does not adversely affect protein function. In summary, the available evidence is currently insufficient to determine the role of this variant in disease. Therefore, it has been classified as a Variant of Uncertain Significance.